The following is an entry in ClinVar:

NM_005751.5(AKAP9):c.10310A>C (p.Gln3437Pro)

Gene: AKAP9 (A-kinase anchoring protein 9; plus strand). Cytogenetic location: 7q21.2.
Variant type: single nucleotide variant.
Coding change: c.10310A>C on transcript NM_005751.5 (MANE Select); coding-DNA position 10310, A replaced by C.
Protein change: p.Gln3437Pro; replaces glutamine 3437 with proline.
Molecular consequence: missense variant.
Genome position (GRCh38, 1-based): chr7:92,097,269, A>C. VCF-style: chr7-92097269-A-C. GRCh37 (hg19) VCF-style: chr7-91726583-A-C.
Other names: c.4955A>C, p.Gln1652Pro (NM_001379277.1); c.10286A>C, p.Gln3429Pro (NM_147185.3); short protein forms Q3429P, Q3437P, Q1652P.
Identifiers: ClinVar variation 2911703 (VCV002911703.3), dbSNP rs145972529, ClinGen allele CA368155383.

ClinVar aggregate classification (germline): Uncertain significance (1 of 4 stars; one submission).

Conditions:
Long QT syndrome (LQTS). Identifiers: MedGen C0023976, MeSH D008133, MONDO:0002442. Disease mechanism: loss of function. Inheritance: Various modes of inheritance.

Allele frequency attached by ClinVar (database versions not stated): gnomAD exomes below 0.00001; TOPMed 0.00001.
gnomAD v4.1: 1 of 1,614,010 alleles (0.000062%); highest among the groups gnomAD compares: East Asian, 0.0022%; no homozygotes.

Submission:

Labcorp Genetics (formerly Invitae), Labcorp
Classification: Uncertain significance for Long QT syndrome. Last evaluated: 2024-06-18. Review status: criteria provided, single submitter. Criteria: Invitae Variant Classification Sherloc (09022015). Collection method: clinical testing. Allele origin: germline.
Comment: This sequence change replaces glutamine, which is neutral and polar, with proline, which is neutral and non-polar, at codon 3437 of the AKAP9 protein (p.Gln3437Pro). This variant is not present in population databases (gnomAD no frequency). This variant has not been reported in the literature in individuals affected with AKAP9-related conditions. An algorithm developed to predict the effect of missense changes on protein structure and function (PolyPhen-2) suggests that this variant is likely to be disruptive. In summary, the available evidence is currently insufficient to determine the role of this variant in disease. Therefore, it has been classified as a Variant of Uncertain Significance.